The following is an entry in ClinVar:

ClinVar aggregate classification (germline): Pathogenic. Review status: criteria provided, multiple submitters, no conflicts (2 of 4 stars). 2 submissions from 2 submitters: Pathogenic (2). Last evaluated 2026-04-15.

Conditions:
Sotos syndrome (SOTOS). Also called: Distinctive facial appearance, overgrowth in childhood, and learning disabilities or delayed development; CEREBRAL GIGANTISM; Sotos' syndrome; CHROMOSOME 5q35 DELETION SYNDROME; SOTOS SYNDROME 1. Identifiers: Orphanet 821, MedGen C0175695, MONDO:0019349, OMIM 117550.

Submissions (2):

Victorian Clinical Genetics Services, Murdoch Childrens Research Institute
Classification: Pathogenic for Sotos syndrome. Last evaluated: 2026-04-15. Review status: criteria provided, single submitter. Criteria: ACMG Guidelines, 2015. Collection method: clinical testing. Allele origin: germline. Affected: yes.
Comment: This variant is classified as Pathogenic. Evidence in support of pathogenic classification: Variant is predicted to cause nonsense-mediated decay (NMD) and loss of protein (premature termination codon is located at least 54 nucleotides upstream of the final exon-exon junction); Variant is absent from gnomAD (v2, v3 and v4); This variant has limited previous evidence of pathogenicity in an unrelated individual. This variant has been classified as pathogenic by a clinical laboratory in ClinVar; Other NMD-predicted variants comparable to the one identified in this case have very strong previous evidence for pathogenicity (DECIPHER); Additional information: This variant is heterozygous; This gene is associated with autosomal dominant disease; Loss of function is a known mechanism of disease in this gene and is associated with Sotos syndrome (MIM#117550).

GeneDx
Classification: Pathogenic. Last evaluated: 2017-12-04. Review status: criteria provided, single submitter. Criteria: GeneDx Variant Classification (06012015). Collection method: clinical testing. Allele origin: germline. Affected: yes.
Comment: The W1954X nonsense variant in the NSD1 gene has been reported previously to have occurred de novo in at least one individual with Sotos syndrome (Douglas et al., 2003). This variant is predicted to cause loss of normal protein function either through protein truncation or nonsense-mediated mRNA decay. The S1954X variant is not observed in large population cohorts (Lek et al., 2016). Based on currently available evidence, we consider W1954X to be pathogenic.

NM_022455.5(NSD1):c.5862G>A (p.Trp1954Ter)

Gene: NSD1 (nuclear receptor binding SET domain protein 1; plus strand). Cytogenetic location: 5q35.3.
Variant type: single nucleotide variant.
Coding change: c.5862G>A on transcript NM_022455.5 (MANE Select); coding-DNA position 5862, G replaced by A.
Protein change: p.Trp1954Ter; replaces tryptophan 1954 with a stop codon.
Molecular consequence: nonsense.
Genome position (GRCh38, 1-based): chr5:177,280,804, G>A. VCF-style: chr5-177280804-G-A. GRCh37 (hg19) VCF-style: chr5-176707805-G-A.
Other names: c.4989G>A, p.Trp1663Ter (NM_001365684.2, NM_001409308.1, NM_001409309.1 and 1 more transcripts); c.5862G>A, p.Trp1954Ter (NM_001409301.1, NM_001409302.1, NM_001409303.1); c.5442G>A, p.Trp1814Ter (NM_001409304.1); c.5109G>A, p.Trp1703Ter (NM_001409305.1); c.5100G>A, p.Trp1700Ter (NM_001409306.1, NM_001409307.1); short protein forms W1954*, W1685*, W1700*, W1814*, W1663*, W1703*.
Identifiers: ClinVar variation 489233 (VCV000489233.3), dbSNP rs587784160, ClinGen allele CA362313781.